The following is an entry in ClinVar:

ClinVar aggregate classification (germline): Conflicting classifications of pathogenicity. Review status: criteria provided, conflicting classifications (1 of 4 stars). 2 submissions from 2 submitters: Uncertain significance (1); Likely benign (1). Last evaluated 2024-04-25.

Submissions (2):

Labcorp Genetics (formerly Invitae), Labcorp
Classification: Uncertain significance. Last evaluated: 2024-04-25. Review status: criteria provided, single submitter. Criteria: Invitae Variant Classification Sherloc (09022015). Collection method: clinical testing. Allele origin: germline.
Comment: This variant, c.115_123dup, results in the insertion of 3 amino acid(s) of the ARID1B protein (p.Ser39_Ser41dup), but otherwise preserves the integrity of the reading frame. This variant is present in population databases (no rsID available, gnomAD 0.02%). This variant has not been reported in the literature in individuals affected with ARID1B-related conditions. In summary, the available evidence is currently insufficient to determine the role of this variant in disease. Therefore, it has been classified as a Variant of Uncertain Significance.

Blueprint Genetics
Classification: Likely benign. Last evaluated: 2023-04-27. Review status: criteria provided, single submitter. Criteria: ACMG Guidelines, 2015. Collection method: clinical testing. Allele origin: germline.

NM_001374828.1(ARID1B):c.352TCC[10] (p.Ser124_Ala125insSerSerSer)

Genes: ARID1B (AT-rich interaction domain 1B; plus strand), LOC115308161 (uncharacterized LOC115308161; minus strand). Cytogenetic location: 6q25.3.
Variant type: Microsatellite.
Coding change: c.352TCC[10] on transcript NM_001374828.1 (MANE Select); ten copies in a row of the 3-base unit TCC starting at c.352; the reference has seven copies in a row; three copies, 9 bases duplicated.
Protein change: p.Ser124_Ala125insSerSerSer.
Genome position (GRCh38, 1-based): chr6:156,778,044-156,778,052, TCCTCCTCC duplicated; duplicating any 9 consecutive bases within chr6:156,778,032-156,778,052 gives the same sequence; the position shown is the placement nearest the transcript's 3' end. VCF-style (leftmost placement, unchanged base first): chr6-156778031-G-GTCCTCCTCC. GRCh37 (hg19) VCF-style: chr6-157099165-G-GTCCTCCTCC.
Other names: c.352TCC[10], p.Ser124_Ala125insSerSerSer (NM_001371656.1, NM_001374820.1, NM_017519.3).
Identifiers: ClinVar variation 3715744 (VCV003715744.3).
Genomic context (GRCh38, chr6:156,778,031, plus strand): 5'-CAGCGCCAAGAGCGGCGGCTCCGAGGCGGCTCTCAAGGAGGGTGGAAGCGCCGCCGCGCT[G>GTCCTCCTCC]TCCTCCTCCTCCTCCTCCTCCGCGGCGGCAGCGGCGGCATCCTCTTCCTCCTCGTCGGGC-3'